The following is an entry in ClinVar:

NM_001256012.3(MYH10):c.2036G>A (p.Gly679Asp)

Gene: MYH10 (myosin heavy chain 10; minus strand). Cytogenetic location: 17p13.1.
Variant type: single nucleotide variant.
Coding change: c.2036G>A on transcript NM_001256012.3 (MANE Select); coding-DNA position 2036, G replaced by A.
Protein change: p.Gly679Asp; replaces glycine 679 with aspartic acid.
Molecular consequence: missense variant.
Genome position (GRCh38, 1-based): chr17:8,521,207, C>T on the plus strand (G>A on the coding strand, the complement: MYH10 is on the minus strand). VCF-style: chr17-8521207-C-T. GRCh37 (hg19) VCF-style: chr17-8424525-C-T.
Other names: c.1943G>A, p.Gly648Asp (NM_005964.5); c.1970G>A, p.Gly657Asp (NM_001256095.2); c.1973G>A, p.Gly658Asp (NM_001375266.1); short protein forms G648D, G657D, G658D, G679D.
Identifiers: ClinVar variation 1703439 (VCV001703439.2), dbSNP rs2544384657, ClinGen allele CA398041379.
Genomic context (GRCh38, chr17:8,521,207, plus strand): 5'-AGAGTTGCCATCAGCTTGGTGAGAGATTCTTTGTAGAGTTGCCCAACGGTACGAAACATG[C>T]CCTTCTTGGTTTTATATGCGGAGCCAAAAGCTGTCTCAGTCATACCAGTGACTTGATCCA-3'
Protein context (NP_001242941.1, residues 669-689): AFGSAYKTKK[Gly679Asp]MFRTVGQLYK

ClinVar aggregate classification (germline): Likely pathogenic (1 of 4 stars; one submission).

Submission:

GeneDx
Classification: Likely pathogenic. Last evaluated: 2022-08-24. Review status: criteria provided, single submitter. Criteria: GeneDx Variant Classification Process June 2021. Collection method: clinical testing. Allele origin: germline. Affected: yes.
Comment: Not observed at significant frequency in large population cohorts (gnomAD); In silico analysis, which includes protein predictors and evolutionary conservation, supports a deleterious effect; This variant is associated with the following publications: (PMID: 35980381)